The following is an entry in ClinVar:

NM_182961.4(SYNE1):c.19534G>T (p.Ala6512Ser)

Gene: SYNE1 (spectrin repeat containing nuclear envelope protein 1; minus strand). Cytogenetic location: 6q25.2.
Variant type: single nucleotide variant.
Coding change: c.19534G>T on transcript NM_182961.4 (MANE Select); coding-DNA position 19534, G replaced by T.
Protein change: p.Ala6512Ser; replaces alanine 6512 with serine.
Molecular consequence: missense variant.
Genome position (GRCh38, 1-based): chr6:152,249,199, C>A on the plus strand (G>T on the coding strand, the complement: SYNE1 is on the minus strand). VCF-style: chr6-152249199-C-A. GRCh37 (hg19) VCF-style: chr6-152570334-C-A.
Other names: p.Ala6441Ser; c.19321G>T, p.Ala6441Ser (NM_033071.5); c.19534G>T (NM_182961.2); short protein forms A6441S, A6512S.
Identifiers: ClinVar variation 285688 (VCV000285688.47), dbSNP rs149272010, ClinGen allele CA4054655.

ClinVar aggregate classification (germline): Conflicting classifications of pathogenicity. Review status: criteria provided, conflicting classifications (1 of 4 stars). 9 submissions from 8 submitters: Uncertain significance (2); Benign (6). 1 of the submissions does not count toward it. Last evaluated 2026-01-02.

Conditions:
SYNE1-related disorder. Also called: SYNE1-related disease; SYNE1-related condition; SYNE1-related disorders.
Emery-Dreifuss muscular dystrophy 4, autosomal dominant (EDMD4). Also called: EMERY-DREIFUSS MUSCULAR DYSTROPHY 4 WITH VARIABLE FEATURES. Identifiers: Orphanet 261, MedGen C2751807, MONDO:0013071, OMIM 612998.
Autosomal recessive ataxia, Beauce type. Also called: SYNE1 Deficiency; SYNE1-Related Autosomal Recessive Cerebellar Ataxia; ATAXIA, RECESSIVE, OF BEAUCE; Spinocerebellar ataxia, autosomal recessive 8. Identifiers: Orphanet 88644, MedGen C1853116, MONDO:0012549, OMIM 610743.

Allele frequency attached by ClinVar (database versions not stated): gnomAD 0.00010; TOPMed 0.00050; ESP Exome Variant Server 0.00062; ExAC 0.00063; gnomAD exomes 0.00082.

Submissions (9):

Labcorp Genetics (formerly Invitae), Labcorp
Classification: Benign for Emery-Dreifuss muscular dystrophy 4, autosomal dominant; Autosomal recessive ataxia, Beauce type. Last evaluated: 2026-01-02. Review status: criteria provided, single submitter. Criteria: Invitae Variant Classification Sherloc (09022015). Collection method: clinical testing. Allele origin: germline.

Athena Diagnostics
Classification: Benign. Last evaluated: 2025-04-17. Review status: criteria provided, single submitter. Criteria: Athena Diagnostics Criteria. Collection method: clinical testing. Allele origin: unknown.
Comment: The frequency of this variant in the general population is higher than would generally be expected for pathogenic variants in this gene.

Mayo Clinic Laboratories, Mayo Clinic
Classification: Benign. Last evaluated: 2024-11-26. Review status: criteria provided, single submitter. Criteria: ACMG Guidelines, 2015. Collection method: clinical testing. Allele origin: germline. Observed: 2 variant alleles.
Comment: BA1, BP4

CeGaT Center for Human Genetics Tuebingen
Classification: Benign. Last evaluated: 2023-09-01. Review status: criteria provided, single submitter. Criteria: CeGaT Center For Human Genetics Tuebingen Variant Classification Criteria Version 2. Collection method: clinical testing. Allele origin: germline. Affected: yes. Observed: 1 variant allele.
Comment: SYNE1: BP4, BS1, BS2

Eurofins Ntd Llc (ga)
Classification: Benign. Last evaluated: 2018-07-27. Review status: criteria provided, single submitter. Criteria: EGL ClinVar v180209 classification definitions. Collection method: clinical testing. Allele origin: germline. Observed: 5 variant alleles, 5 heterozygotes.

Illumina Laboratory Services, Illumina
Classification: Uncertain significance for Autosomal recessive ataxia, Beauce type. Last evaluated: 2018-01-13. Review status: criteria provided, single submitter. Criteria: ICSL Variant Classification Criteria 13 December 2019. Collection method: clinical testing. Allele origin: germline.

Illumina Laboratory Services, Illumina
Classification: Benign for Emery-Dreifuss muscular dystrophy 4, autosomal dominant. Last evaluated: 2018-01-13. Review status: criteria provided, single submitter. Criteria: ICSL Variant Classification Criteria 13 December 2019. Collection method: clinical testing. Allele origin: germline.
Comment: This variant was observed in the ICSL laboratory as part of a predisposition screen in an ostensibly healthy population. It had not been previously curated by ICSL or reported in the Human Gene Mutation Database (HGMD: prior to June 1st, 2018), and was therefore a candidate for classification through an automated scoring system. Utilizing variant allele frequency, disease prevalence and penetrance estimates, and inheritance mode, an automated score was calculated to assess if this variant is too frequent to cause the disease. Based on the score and internal cut-off values, a variant classified as benign is not then subjected to further curation. The score for this variant resulted in a classification of benign for this disease.

GeneDx
Classification: Uncertain significance. Last evaluated: 2017-09-26. Review status: criteria provided, single submitter. Criteria: GeneDx Variant Classification (06012015). Collection method: clinical testing. Allele origin: germline. Affected: yes.
Comment: The A6441S variant has not been published as a pathogenic variant, nor has it been reported as a benign variant to our knowledge. The A6441S variant is observed in 155/10,150 (1.53%) alleles from individuals of Ashkenazi Jewish background in large population cohorts, which is greater than expected for this disorder (Lek et al., 2016). This variant is a non-conservative amino acid substitution, which is likely to impact secondary protein structure as these residues differ in polarity, charge, size and/or other properties. This substitution occurs at a position that is conserved across species, and in silico analysis predicts this variant is probably damaging to the protein structure/function.

PreventionGenetics, part of Exact Sciences
Classification: Benign for SYNE1-related condition. Last evaluated: 2019-08-01. Review status: no assertion criteria provided. Collection method: clinical testing. Allele origin: germline. Not counted in ClinVar's aggregate classification.
Comment: This variant is classified as benign based on ACMG/AMP sequence variant interpretation guidelines (Richards et al. 2015 PMID: 25741868, with internal and published modifications).

Literature cited by the submitters: PubMed 31692161 (cited by Athena Diagnostics and Mayo Clinic Laboratories, Mayo Clinic).